The following is an entry in ClinVar:

ClinVar aggregate classification (germline): Conflicting classifications of pathogenicity. Review status: criteria provided, conflicting classifications (1 of 4 stars). 5 submissions from 5 submitters: Uncertain significance (1); Benign (1); Likely benign (2). 1 of the submissions does not count toward it. Last evaluated 2026-08-01.

Conditions:
TCF20-related disorder. Also called: TCF20-related condition.

Submissions (5):

CeGaT Center for Human Genetics Tuebingen
Classification: Benign. Last evaluated: 2026-08-01. Review status: criteria provided, single submitter. Criteria: CeGaT Center For Human Genetics Tuebingen Variant Classification Criteria Version 2. Collection method: clinical testing. Allele origin: germline. Affected: yes. Observed: 5 variant alleles.
Comment: TCF20: BS1, BS2

Labcorp Genetics (formerly Invitae), Labcorp
Classification: Likely benign. Last evaluated: 2026-02-03. Review status: criteria provided, single submitter. Criteria: Invitae Variant Classification Sherloc (09022015). Collection method: clinical testing. Allele origin: germline.

Blueprint Genetics
Classification: Likely benign. Last evaluated: 2024-11-28. Review status: criteria provided, single submitter. Criteria: ACMG Guidelines, 2015. Collection method: clinical testing. Allele origin: germline.

GeneDx
Classification: Uncertain significance. Last evaluated: 2023-10-16. Review status: criteria provided, single submitter. Criteria: GeneDx Variant Classification Process June 2021. Collection method: clinical testing. Allele origin: germline. Affected: yes.
Comment: In-frame deletion of 1 amino acid in a non-repeat region; In silico analysis supports that this variant does not alter protein structure/function; Has not been previously published as pathogenic or benign to our knowledge

PreventionGenetics, part of Exact Sciences
Classification: Likely benign for TCF20-related condition. Last evaluated: 2022-02-03. Review status: no assertion criteria provided. Collection method: clinical testing. Allele origin: germline. Not counted in ClinVar's aggregate classification.
Comment: This variant is classified as likely benign based on ACMG/AMP sequence variant interpretation guidelines (Richards et al. 2015 PMID: 25741868, with internal and published modifications).

NM_001378418.1(TCF20):c.960ACA[2] (p.Gln322del)

Gene: TCF20 (transcription factor 20; minus strand). Cytogenetic location: 22q13.2.
Variant type: Microsatellite.
Coding change: c.960ACA[2] on transcript NM_001378418.1 (MANE Select); two copies in a row of the 3-base unit ACA starting at c.960; the reference has three copies in a row; one copy, 3 bases deleted.
Protein change: p.Gln322del; deletes glutamine 322.
Molecular consequence: inframe deletion.
Genome position (GRCh38, 1-based): chr22:42,214,338-42,214,340, TGT deleted on the plus strand (ACA on the coding strand, the reverse complement: TCF20 is on the minus strand); deleting any 3 consecutive bases within chr22:42,214,338-42,214,348 gives the same sequence; the position shown is the placement nearest the transcript's 3' end. VCF-style (leftmost placement, unchanged base first): chr22-42214337-GTGT-G. GRCh37 (hg19) VCF-style: chr22-42610343-GTGT-G.
Other names: c.960ACA[2], p.Gln322del (NM_005650.4, NM_181492.3); c.966_968delACA (NM_005650.3); c.966_968del (NM_005650.1); short protein forms Q322del.
Identifiers: ClinVar variation 2065574 (VCV002065574.31), dbSNP rs552166978, ClinGen allele CA10267253.